The following is an entry in ClinVar:

NM_002778.4(PSAP):c.337T>G (p.Tyr113Asp)

Gene: PSAP (prosaposin; minus strand). Cytogenetic location: 10q22.1.
Variant type: single nucleotide variant.
Coding change: c.337T>G on transcript NM_002778.4 (MANE Select); coding-DNA position 337, T replaced by G.
Protein change: p.Tyr113Asp; replaces tyrosine 113 with aspartic acid.
Molecular consequence: missense variant.
Genome position (GRCh38, 1-based): chr10:71,831,164, A>C on the plus strand (T>G on the coding strand, the complement: PSAP is on the minus strand). VCF-style: chr10-71831164-A-C. GRCh37 (hg19) VCF-style: chr10-73590921-A-C.
Other names: c.337T>G (NM_002778.2); c.337T>G, p.Tyr113Asp (NM_001042465.3, NM_001042466.3); short protein forms Y113D.
Identifiers: ClinVar variation 1392310 (VCV001392310.4), dbSNP rs762050153, ClinGen allele CA5547799.

ClinVar aggregate classification (germline): Uncertain significance. Review status: criteria provided, multiple submitters, no conflicts (2 of 4 stars). 2 submissions from 2 submitters: Uncertain significance (2). Last evaluated 2025-12-10.

Conditions:
Sphingolipid activator protein 1 deficiency. Also called: Saposin B Deficiency; METACHROMATIC LEUKODYSTROPHY DUE TO CEREBROSIDE SULFATASE ACTIVATOR DEFICIENCY; Metachromatic leukodystrophy due to saposin B deficiency. Identifiers: Orphanet 512, MedGen C0268262, MONDO:0009590, OMIM 249900.
Inborn genetic diseases. Identifiers: MedGen C0950123, MeSH D030342.

Allele frequency attached by ClinVar (database versions not stated): gnomAD 0.00002; gnomAD exomes 0.00003 and 0.00002; TOPMed 0.00002; ExAC 0.00002.
gnomAD v4.1: 40 of 1,614,030 alleles (0.0025%); highest among the groups gnomAD compares: Admixed American, 0.005%; no homozygotes.

Submissions (2):

Ambry Genetics
Classification: Uncertain significance for Inborn genetic diseases. Last evaluated: 2025-12-10. Review status: criteria provided, single submitter. Criteria: Ambry Variant Classification Scheme 2023. Collection method: clinical testing. Allele origin: germline.

Labcorp Genetics (formerly Invitae), Labcorp
Classification: Uncertain significance for Sphingolipid activator protein 1 deficiency. Last evaluated: 2022-08-10. Review status: criteria provided, single submitter. Criteria: Invitae Variant Classification Sherloc (09022015). Collection method: clinical testing. Allele origin: germline.
Comment: This sequence change replaces tyrosine, which is neutral and polar, with aspartic acid, which is acidic and polar, at codon 113 of the PSAP protein (p.Tyr113Asp). This variant is present in population databases (rs762050153, gnomAD 0.006%). This variant has not been reported in the literature in individuals affected with PSAP-related conditions. ClinVar contains an entry for this variant (Variation ID: 1392310). Algorithms developed to predict the effect of missense changes on protein structure and function are either unavailable or do not agree on the potential impact of this missense change (SIFT: "Not Available"; PolyPhen-2: "Probably Damaging"; Align-GVGD: "Not Available"). In summary, the available evidence is currently insufficient to determine the role of this variant in disease. Therefore, it has been classified as a Variant of Uncertain Significance.